The following is an entry in ClinVar:

ClinVar aggregate classification (germline): Uncertain significance (1 of 4 stars; one submission).

Allele frequency attached by ClinVar (database versions not stated): gnomAD exomes below 0.00001.
gnomAD v4.1: 1 of 1,613,330 alleles (0.000062%); highest among the groups gnomAD compares: Admixed American, 0.0017%; no homozygotes.

Submission:

Labcorp Genetics (formerly Invitae), Labcorp
Classification: Uncertain significance. Last evaluated: 2022-10-04. Review status: criteria provided, single submitter. Criteria: Invitae Variant Classification Sherloc (09022015). Collection method: clinical testing. Allele origin: germline.
Comment: In summary, the available evidence is currently insufficient to determine the role of this variant in disease. Therefore, it has been classified as a Variant of Uncertain Significance. Algorithms developed to predict the effect of missense changes on protein structure and function are either unavailable or do not agree on the potential impact of this missense change (SIFT: "Deleterious"; PolyPhen-2: "Probably Damaging"; Align-GVGD: "Class C15"). This variant has not been reported in the literature in individuals affected with C1QTNF5-related conditions. This variant is not present in population databases (gnomAD no frequency). This sequence change replaces alanine, which is neutral and non-polar, with valine, which is neutral and non-polar, at codon 157 of the C1QTNF5 protein (p.Ala157Val).

NM_001278431.2(C1QTNF5):c.470C>T (p.Ala157Val)

Genes: C1QTNF5 (C1q and TNF related 5; minus strand), MFRP (membrane frizzled-related protein; minus strand). Cytogenetic location: 11q23.3.
Variant type: single nucleotide variant.
Coding change: c.470C>T on transcript NM_001278431.2 (MANE Select); coding-DNA position 470, C replaced by T.
Protein change: p.Ala157Val; replaces alanine 157 with valine.
Molecular consequence: missense variant. On other transcripts: 3 prime UTR variant (1).
Genome position (GRCh38, 1-based): chr11:119,339,593, G>A on the plus strand (C>T on the coding strand, the complement: C1QTNF5 is on the minus strand). VCF-style: chr11-119339593-G-A. GRCh37 (hg19) VCF-style: chr11-119210303-G-A.
Other names: c.470C>T, p.Ala157Val (NM_015645.5); c.*1366C>T (NM_031433.4); short protein forms A157V.
Identifiers: ClinVar variation 2114976 (VCV002114976.4), dbSNP rs2497071369, ClinGen allele CA382968942.